The following is an entry in ClinVar:

ClinVar aggregate classification (germline): Uncertain significance (1 of 4 stars; one submission).

Conditions:
Hereditary spastic paraplegia 51. Also called: CEREBRAL PALSY, SPASTIC QUADRIPLEGIC, 4; Spastic paraplegia 51, autosomal recessive. Identifiers: Orphanet 280763, MedGen C3151056, MONDO:0013401, OMIM 613744.

gnomAD v4.1: 7 of 1,588,638 alleles (0.00044%); highest among the groups gnomAD compares: East Asian, 0.0067%; no homozygotes.

Submission:

3billion
Classification: Uncertain significance for Hereditary spastic paraplegia 51. Last evaluated: 2023-10-05. Review status: criteria provided, single submitter. Criteria: ACMG Guidelines, 2015. Collection method: clinical testing. Allele origin: germline. Affected: yes.
Comment: The variant is not observed in the gnomAD v2.1.1 dataset. Predicted Consequence/Location: Intron variant In silico tools predict the variant to alter splicing and produce an abnormal transcript [SpliceAI: 0.54 (>=0.2, moderate evidence for spliceogenicity)]. Therefore, this variant is classified as VUS according to the recommendation of ACMG/AMP guideline.

NM_007347.5(AP4E1):c.1177-4A>G

Gene: AP4E1 (adaptor related protein complex 4 subunit epsilon 1; plus strand). Cytogenetic location: 15q21.2.
Variant type: single nucleotide variant.
Coding change: c.1177-4A>G on transcript NM_007347.5 (MANE Select); 4 bases into the intron before coding-DNA position 1177, A replaced by G.
Molecular consequence: intron variant.
Genome position (GRCh38, 1-based): chr15:50,948,016, A>G. VCF-style: chr15-50948016-A-G. GRCh37 (hg19) VCF-style: chr15-51240213-A-G.
Other names: c.952-4A>G (NM_001252127.2).
Identifiers: ClinVar variation 3775854 (VCV003775854.1).